The following is an entry in ClinVar:

ClinVar aggregate classification (germline): Uncertain significance (1 of 4 stars; one submission).

Conditions:
RYR1-related disorder. Also called: RYR1-related disorders; RYR1-related condition. Identifiers: MedGen CN239331.

Allele frequency attached by ClinVar (database versions not stated): gnomAD exomes below 0.00001.
gnomAD v4.1: 4 of 1,613,972 alleles (0.00025%); highest among the groups gnomAD compares: Non-Finnish European, 0.00034%; no homozygotes.

Submission:

Labcorp Genetics (formerly Invitae), Labcorp
Classification: Uncertain significance for RYR1-Related Disorders. Last evaluated: 2019-03-08. Review status: criteria provided, single submitter. Criteria: Invitae Variant Classification Sherloc (09022015). Collection method: clinical testing. Allele origin: germline.
Comment: This sequence change replaces threonine with methionine at codon 2912 of the RYR1 protein (p.Thr2912Met). The threonine residue is highly conserved and there is a moderate physicochemical difference between threonine and methionine. This variant is not present in population databases (ExAC no frequency). This variant has not been reported in the literature in individuals with RYR1-related conditions. Algorithms developed to predict the effect of missense changes on protein structure and function are either unavailable or do not agree on the potential impact of this missense change (SIFT: "Deleterious"; PolyPhen-2: "Possibly Damaging"; Align-GVGD: "Class C0"). In summary, the available evidence is currently insufficient to determine the role of this variant in disease. Therefore, it has been classified as a Variant of Uncertain Significance.

NM_000540.3(RYR1):c.8735C>T (p.Thr2912Met)

Gene: RYR1 (ryanodine receptor 1; plus strand). Cytogenetic location: 19q13.2.
Variant type: single nucleotide variant.
Coding change: c.8735C>T on transcript NM_000540.3 (MANE Select); coding-DNA position 8735, C replaced by T.
Protein change: p.Thr2912Met; replaces threonine 2912 with methionine.
Molecular consequence: missense variant.
Genome position (GRCh38, 1-based): chr19:38,506,871, C>T. VCF-style: chr19-38506871-C-T. GRCh37 (hg19) VCF-style: chr19-38997511-C-T.
Other names: c.8735C>T, p.Thr2912Met (NM_001042723.2); short protein forms T2912M.
Identifiers: ClinVar variation 842357 (VCV000842357.1), dbSNP rs1970478618, ClinGen allele CA405680928.
Genomic context (GRCh38, chr19:38,506,871, plus strand): 5'-TGGTCTTTGCCTCCCCAGGCGGTGGGACCCACCCCCTGCTGGTCCCCTACGACACGCTCA[C>T]GGCCAAGGAGAAGGCACGAGATCGAGAGAAGGCCCAGGAGCTACTGAAATTCCTGCAGAT-3'
Protein context (NP_000531.2, residues 2902-2922): HPLLVPYDTL[Thr2912Met]AKEKARDREK